The following is an entry in ClinVar:

ClinVar aggregate classification (germline): Pathogenic (1 of 4 stars; one submission).

Conditions:
Autosomal recessive limb-girdle muscular dystrophy type 2D (LGMDR3). Also called: DUCHENNE-LIKE AUTOSOMAL RECESSIVE MUSCULAR DYSTROPHY, TYPE 2; MUSCULAR DYSTROPHY, LIMB-GIRDLE, AUTOSOMAL RECESSIVE 3; ADHALINOPATHY, PRIMARY. Identifiers: Orphanet 62, MedGen C2936332, MONDO:0011968, OMIM 608099. Disease mechanism: Affects gamma-sarcoglycan and also disrupts the integrity of the entire sarcoglycan complex..

Submission:

Labcorp Genetics (formerly Invitae), Labcorp
Classification: Pathogenic for Autosomal recessive limb-girdle muscular dystrophy type 2D. Last evaluated: 2023-06-06. Review status: criteria provided, single submitter. Criteria: Invitae Variant Classification Sherloc (09022015). Collection method: clinical testing. Allele origin: germline.
Comment: This sequence change creates a premature translational stop signal (p.Gly163Aspfs*48) in the SGCA gene. It is expected to result in an absent or disrupted protein product. Loss-of-function variants in SGCA are known to be pathogenic (PMID: 9192266). This variant is not present in population databases (gnomAD no frequency). This variant has not been reported in the literature in individuals affected with SGCA-related conditions. ClinVar contains an entry for this variant (Variation ID: 1936207). For these reasons, this variant has been classified as Pathogenic.

Literature cited by the submitters: PubMed 9192266.

NM_000023.4(SGCA):c.488del (p.Gly163fs)

Gene: SGCA (sarcoglycan alpha; plus strand). Cytogenetic location: 17q21.33.
Variant type: Deletion.
Coding change: c.488del on transcript NM_000023.4 (MANE Select); coding-DNA position 488, one base deleted (G; older notation c.488delG).
Protein change: p.Gly163fs; shifts the reading frame from glycine 163.
Molecular consequence: frameshift variant. On other transcripts: non-coding transcript variant (1).
Genome position (GRCh38, 1-based): chr17:50,168,476, G deleted; the last of 6 consecutive G bases (chr17:50,168,471-50,168,476); deleting any one gives the same sequence. VCF-style (leftmost placement, unchanged base first): chr17-50168470-TG-T. GRCh37 (hg19) VCF-style: chr17-48245831-TG-T.
Other names: c.488del, p.Gly163fs (NM_001135697.3); short protein forms G163fs.
Identifiers: ClinVar variation 1936207 (VCV001936207.5), dbSNP rs763986788, ClinGen allele CA2580094155.